The following is an entry in ClinVar:

ClinVar aggregate classification (germline): Uncertain significance (1 of 4 stars; one submission).

Submission:

Labcorp Genetics (formerly Invitae), Labcorp
Classification: Uncertain significance. Last evaluated: 2022-07-12. Review status: criteria provided, single submitter. Criteria: Invitae Variant Classification Sherloc (09022015). Collection method: clinical testing. Allele origin: germline.
Comment: This variant results in a copy number gain of the genomic region encompassing exon(s) 39-59 of the KMT2C gene. This region includes the termination codon of the gene. This copy number gain extends beyond the assayed region for this gene and therefore may encompass additional genes. As the precise location of this event is unknown, it may be in tandem or it may be located elsewhere in the genome. In summary, the available evidence is currently insufficient to determine the role of this variant in disease. Therefore, it has been classified as a Variant of Uncertain Significance. Experimental studies and prediction algorithms are not available or were not evaluated, and the functional significance of this variant is currently unknown. This variant has not been reported in the literature in individuals affected with KMT2C-related conditions.

NC_000007.13:g.(?_151833917)_(151871347_?)dup

Gene: KMT2C (lysine methyltransferase 2C; minus strand). Cytogenetic location: 7q36.1.
Variant type: Duplication.
Identifiers: ClinVar variation 1438239 (VCV001438239.5).